The following is an entry in ClinVar:

ClinVar aggregate classification (germline): Uncertain significance (1 of 4 stars; one submission).

Conditions:
Hermansky-Pudlak syndrome 2 (HPS2). Also called: Platelet defects and oculocutaneous albinism. Identifiers: Orphanet 183678, Orphanet 79430, MedGen C1842362, MONDO:0011997, OMIM 608233.

Submission:

Labcorp Genetics (formerly Invitae), Labcorp
Classification: Uncertain significance for Hermansky-Pudlak syndrome 2. Last evaluated: 2025-05-30. Review status: criteria provided, single submitter. Criteria: Invitae Variant Classification Sherloc (09022015). Collection method: clinical testing. Allele origin: germline.
Comment: This sequence change replaces arginine, which is basic and polar, with asparagine, which is neutral and polar, at codon 364 of the AP3B1 protein (p.Arg364Asn). This variant is present in population databases (no rsID available, gnomAD 0.0007%). This variant has not been reported in the literature in individuals affected with AP3B1-related conditions. ClinVar contains an entry for this variant (Variation ID: 2909708). An algorithm developed to predict the effect of missense changes on protein structure and function (PolyPhen-2) suggests that this variant is likely to be tolerated. In summary, the available evidence is currently insufficient to determine the role of this variant in disease. Therefore, it has been classified as a Variant of Uncertain Significance.

NM_003664.5(AP3B1):c.1091_1092delinsAT (p.Arg364Asn)

Gene: AP3B1 (adaptor related protein complex 3 subunit beta 1; minus strand). Cytogenetic location: 5q14.1.
Variant type: Indel.
Coding change: c.1091_1092delinsAT on transcript NM_003664.5 (MANE Select); coding-DNA positions 1091 to 1092, GA replaced by AT.
Protein change: p.Arg364Asn; replaces arginine 364 with asparagine.
Molecular consequence: missense variant.
Genome position (GRCh38, 1-based): chr5:78,175,787-78,175,788, TC replaced by AT on the plus strand (GA replaced by AT on the coding strand, the reverse complement: AP3B1 is on the minus strand). VCF-style: chr5-78175787-TC-AT. GRCh37 (hg19) VCF-style: chr5-77471611-TC-AT.
Other names: c.944_945delinsAT, p.Arg315Asn (NM_001271769.2); c.1091_1092delinsAT, p.Arg364Asn (NM_001410752.1); short protein forms R315N, R364N.
Identifiers: ClinVar variation 2909708 (VCV002909708.2), dbSNP rs2531107812, ClinGen allele CA2739274839.